The following is an entry in ClinVar:

NM_206933.4(USH2A):c.15178T>C (p.Ser5060Pro)

Gene: USH2A (usherin; minus strand). Cytogenetic location: 1q41.
Variant type: single nucleotide variant.
Coding change: c.15178T>C on transcript NM_206933.4 (MANE Select); coding-DNA position 15178, T replaced by C.
Protein change: p.Ser5060Pro; replaces serine 5060 with proline.
Molecular consequence: missense variant.
Genome position (GRCh38, 1-based): chr1:215,634,578, A>G on the plus strand (T>C on the coding strand, the complement: USH2A is on the minus strand). VCF-style: chr1-215634578-A-G. GRCh37 (hg19) VCF-style: chr1-215807920-A-G.
Other names: short protein forms S5060P.
Identifiers: ClinVar variation 552090 (VCV000552090.21), dbSNP rs752377040, ClinGen allele CA1392770.

ClinVar aggregate classification (germline): Conflicting classifications of pathogenicity. Review status: criteria provided, conflicting classifications (1 of 4 stars). 14 submissions from 13 submitters: Pathogenic (6); Likely pathogenic (6); Uncertain significance (1). 1 of the submissions does not count toward it. Last evaluated 2026-09-21.

Conditions:
Retinitis pigmentosa 39 (RP39). Identifiers: Orphanet 791, MedGen C3151138, MONDO:0013436, OMIM 613809.
Usher syndrome type 2A. Also called: RETINAL DISEASE IN USHER SYNDROME TYPE IIA, MODIFIER OF; USHER SYNDROME, TYPE IIA. Identifiers: Orphanet 231178, Orphanet 886, MedGen C1848634, MONDO:0010169, OMIM 276901.
Autosomal recessive USH2A-related disorders.
USH2A-related disorder. Also called: USH2A-related disorders; USH2A-related condition. Identifiers: MedGen CN239332.
Retinal dystrophy. Also called: Inherited retinal dystrophy. Identifiers: Orphanet 71862, MedGen C0854723, MeSH D058499, MONDO:0019118, HP:0000556.

Allele frequency attached by ClinVar (database versions not stated): gnomAD exomes 0.00001 and 0.00004; gnomAD 0.00002; ExAC 0.00003; TOPMed 0.00004.
gnomAD v4.1: 21 of 1,613,986 alleles (0.0013%); highest among the groups gnomAD compares: East Asian, 0.047%; no homozygotes.

Submissions (14):

PreventionGenetics, part of Exact Sciences
Classification: Pathogenic for USH2A-related condition. Last evaluated: 2026-09-21. Review status: criteria provided, single submitter. Criteria: ACMG Guidelines, 2015. Collection method: clinical testing. Allele origin: germline.
Comment: The USH2A c.15178T>C variant is predicted to result in the amino acid substitution p.Ser5060Pro. This variant has been reported in the homozygous and compound heterozygous state in multiple individuals with USH2A retinal dystrophies, primarily non-syndromic retinitis pigmentosa (NSRP) (see, for example: supplementary data, Zhu et al. 2021. PubMed ID: 32675063; Huang et al. 2018. PubMed ID: 29899460; supplemental data, Panneman et al. 2023. PubMed ID: 36819107; supplementary data, Liu et al. 2020. PubMed ID: 33090715). This variant is reported in 0.060% of alleles in individuals of East Asian descent in gnomAD. Taken together, we classify this variant as pathogenic.

Labcorp Genetics (formerly Invitae), Labcorp
Classification: Pathogenic. Last evaluated: 2026-01-31. Review status: criteria provided, single submitter. Criteria: Invitae Variant Classification Sherloc (09022015). Collection method: clinical testing. Allele origin: germline.
Comment: This sequence change replaces serine, which is neutral and polar, with proline, which is neutral and non-polar, at codon 5060 of the USH2A protein (p.Ser5060Pro). This variant is present in population databases (rs752377040, gnomAD 0.06%). This missense change has been observed in individual(s) with retinitis pigmentosa and/or Usher syndrome (PMID: 25649381, 29625443, 29899460, 31904091; internal data). In at least one individual the data is consistent with being in trans (on the opposite chromosome) from a pathogenic variant. ClinVar contains an entry for this variant (Variation ID: 552090). Invitae Evidence Modeling of protein sequence and biophysical properties (such as structural, functional, and spatial information, amino acid conservation, physicochemical variation, residue mobility, and thermodynamic stability) indicates that this missense variant is not expected to disrupt USH2A protein function with a negative predictive value of 95%. For these reasons, this variant has been classified as Pathogenic.

Medical and Scientific Branch, Hong Kong Genome Institute
Classification: Likely pathogenic for Retinitis pigmentosa 39. Last evaluated: 2026-01-26. Review status: criteria provided, single submitter. Criteria: ACMG Guidelines, 2015. Collection method: clinical testing. Allele origin: paternal. Affected: yes.

3billion
Classification: Likely pathogenic for Retinitis pigmentosa 39. Last evaluated: 2025-12-16. Review status: criteria provided, single submitter. Criteria: ACMG Guidelines, 2015. Collection method: clinical testing. Allele origin: germline. Affected: yes.
Comment: The variant is observed at an extremely low frequency in the gnomAD v4.1.0 dataset (total allele frequency: 0.001%). Predicted Consequence/Location: Missense variant In silico tool predictions suggest damaging effect of the variant on gene or gene product [REVEL: 0.69 (>=0.6, sensitivity 0.68 and specificity 0.92)]. The same nucleotide change resulting in the same amino acid change has been previously reported as pathogenic/likely pathogenic with strong evidence (ClinVar ID: VCV000552090 /PMID: 25268133 /3billion dataset). Therefore, this variant is classified as Likely pathogenic according to the recommendation of ACMG/AMP guideline.

Natera, Inc.
Classification: Pathogenic for Usher syndrome type 2A. Last evaluated: 2025-10-25. Review status: criteria provided, single submitter. Criteria: Natera Variant Classification Schema (03/2026). Collection method: clinical testing. Allele origin: germline.
Comment: The c.15178T>C variant in USH2A is a missense variant predicted to cause substitution of serine to proline at amino acid 5060. This variant is rare in the general population with a frequency below the threshold expected for the associated phenotype(s). This variant has been observed in one or more individuals affected with the associated recessive disease, as either homozygous or compound heterozygous with a second variant (PMID: 31904091, 30948794, 29625443, 30029497, 29899460, 33124170). Additionally, this variant has been observed to segregate in affected family members (PMID: 29899460). Computational prediction algorithms indicate this variant is likely to affect gene or protein function. Given the available evidence, this variant is classified as Pathogenic.

Variantyx, Inc.
Classification: Likely pathogenic for Autosomal recessive USH2A-related disorders. Last evaluated: 2025-09-22. Review status: criteria provided, single submitter. Criteria: Variantyx Assertion Criteria 2022. Collection method: clinical testing. Allele origin: germline. Inheritance: Autosomal recessive inheritance.
Comment: This is a nonsynonymous variant in the USH2A gene (OMIM: 608400). Pathogenic variants in this gene have been associated with autosomal recessive USH2A-related disorders. This variant has been identified in the homozygous or compound heterozygous state in multiple individuals affected with Usher syndrome and retinitis pigmentosa reported in the published literature (PMID: 29899460, 31904091) (PM3_Strong) and it has been observed to segregate with disease in at least 2 individuals from a single family (PMID: 29899460) (PP1_Moderate). Computational algorithms produce conflicting evidence regarding the predicted functional impact of this variant (REVEL score: 0.694). This variant has a 0.0468% maximum allele frequency in non-founder control populations. Based on the current evidence, this variant is classified as likely pathogenic for autosomal recessive USH2A-related disorders.

Baylor Genetics
Classification: Likely pathogenic for Retinitis pigmentosa 39. Last evaluated: 2024-03-28. Review status: criteria provided, single submitter. Criteria: ACMG Guidelines, 2015. Collection method: clinical testing. Allele origin: unknown.

Fulgent Genetics
Classification: Likely pathogenic for Usher syndrome type 2A; Retinitis pigmentosa 39. Last evaluated: 2024-02-14. Review status: criteria provided, single submitter. Criteria: ACMG Guidelines, 2015. Collection method: clinical testing. Allele origin: germline.

Dept Of Ophthalmology, Nagoya University
Classification: Uncertain significance for Retinal dystrophy. Last evaluated: 2023-10-01. Review status: criteria provided, single submitter. Criteria: Submitter's publication. Collection method: research. Allele origin: germline. Affected: yes.

Blueprint Genetics
Classification: Pathogenic for USH2A-related disorders. Last evaluated: 2022-11-17. Review status: criteria provided, single submitter. Criteria: ACMG Guidelines, 2015. Collection method: clinical testing. Allele origin: germline. Affected: yes. Observed: 5 variant alleles.

Institute of Human Genetics, Univ. Regensburg, Univ. Regensburg
Classification: Likely pathogenic for Retinal dystrophy. Last evaluated: 2020-01-01. Review status: criteria provided, single submitter. Criteria: ACMG Guidelines, 2015. Collection method: clinical testing. Allele origin: germline. Affected: yes.

Baylor Genetics
Classification: Pathogenic for Usher syndrome type 2A. Review status: criteria provided, single submitter. Criteria: ACMG Guidelines, 2015. Collection method: clinical testing. Allele origin: germline.

Juno Genomics, Hangzhou Juno Genomics, Inc
Classification: Pathogenic for Usher syndrome type 2A; Retinitis pigmentosa 39. Review status: criteria provided, single submitter. Criteria: ACMG Guidelines, 2015. Collection method: clinical testing. Allele origin: germline.
Comment: For recessive disorders, detected in trans with a pathogenic variant.;Co-segregation with disease in multiple affected family members.

Counsyl
Classification: Uncertain significance for Usher syndrome type 2A; Retinitis pigmentosa 39. Last evaluated: 2017-05-22. Review status: no assertion criteria provided. Collection method: clinical testing. Allele origin: unknown. Not counted in ClinVar's aggregate classification.

Literature cited by the submitters: PubMed 25649381 (cited by Labcorp Genetics (formerly Invitae), Labcorp and Counsyl); PubMed 29625443 (cited by 3 submitters); PubMed 29899460 (cited by 4 submitters); PubMed 31904091 (cited by 4 submitters); PubMed 25268133 (cited by 3 submitters); PubMed 30948794 (cited by Natera, Inc.); PubMed 30029497 (cited by Natera, Inc.); PubMed 33124170 (cited by Natera, Inc. and Institute of Human Genetics, Univ. Regensburg, Univ. Regensburg); PubMed 31054281 (cited by Institute of Human Genetics, Univ. Regensburg, Univ. Regensburg); PubMed 31213501 (cited by Institute of Human Genetics, Univ. Regensburg, Univ. Regensburg); PubMed 33090715 (cited by Institute of Human Genetics, Univ. Regensburg, Univ. Regensburg); PubMed 32188678 (cited by Institute of Human Genetics, Univ. Regensburg, Univ. Regensburg); PubMed 34721897 (cited by Institute of Human Genetics, Univ. Regensburg, Univ. Regensburg); PubMed 33946315 (cited by Institute of Human Genetics, Univ. Regensburg, Univ. Regensburg); PubMed 32675063 (cited by Institute of Human Genetics, Univ. Regensburg, Univ. Regensburg); PubMed 36284460 (cited by Institute of Human Genetics, Univ. Regensburg, Univ. Regensburg); PubMed 36819107 (cited by Institute of Human Genetics, Univ. Regensburg, Univ. Regensburg).